The following is an entry in ClinVar:

ClinVar aggregate classification (germline): Uncertain significance (1 of 4 stars; one submission).

Conditions:
Lipoic acid synthetase deficiency. Also called: HYPERGLYCINEMIA, LACTIC ACIDOSIS, AND SEIZURES. Identifiers: Orphanet 401859, MedGen C3280887, MONDO:0013762, OMIM 614462.

Allele frequency attached by ClinVar (database versions not stated): gnomAD exomes below 0.00001; ExAC 0.00001; gnomAD 0.00001.
gnomAD v4.1: 8 of 1,614,070 alleles (0.0005%); highest among the groups gnomAD compares: South Asian, 0.0033%; no homozygotes.

Submission:

Labcorp Genetics (formerly Invitae), Labcorp
Classification: Uncertain significance for Lipoic acid synthetase deficiency. Last evaluated: 2022-07-13. Review status: criteria provided, single submitter. Criteria: Invitae Variant Classification Sherloc (09022015). Collection method: clinical testing. Allele origin: germline.
Comment: This sequence change replaces isoleucine, which is neutral and non-polar, with valine, which is neutral and non-polar, at codon 167 of the LIAS protein (p.Ile167Val). This variant is present in population databases (rs756842628, gnomAD 0.003%). This variant has not been reported in the literature in individuals affected with LIAS-related conditions. Algorithms developed to predict the effect of missense changes on protein structure and function (SIFT, PolyPhen-2, Align-GVGD) all suggest that this variant is likely to be tolerated. In summary, the available evidence is currently insufficient to determine the role of this variant in disease. Therefore, it has been classified as a Variant of Uncertain Significance.

NM_006859.4(LIAS):c.499A>G (p.Ile167Val)

Gene: LIAS (lipoic acid synthetase; plus strand). Cytogenetic location: 4p14.
Variant type: single nucleotide variant.
Coding change: c.499A>G on transcript NM_006859.4 (MANE Select); coding-DNA position 499, A replaced by G.
Protein change: p.Ile167Val; replaces isoleucine 167 with valine.
Molecular consequence: missense variant. On other transcripts: intron variant (1).
Genome position (GRCh38, 1-based): chr4:39,465,151, A>G. VCF-style: chr4-39465151-A-G. GRCh37 (hg19) VCF-style: chr4-39466771-A-G.
Other names: c.499A>G, p.Ile167Val (NM_001278590.2, NM_194451.3); c.299+1546A>G (NM_001363700.2); short protein forms I167V.
Identifiers: ClinVar variation 1907293 (VCV001907293.2), dbSNP rs756842628, ClinGen allele CA2894693.
Genomic context (GRCh38, chr4:39,465,151, plus strand): 5'-AAGACTGCAAGAAATCCTCCTCCACTGGATGCCAGTGAGCCCTACAATACTGCAAAGGCA[A>G]TTGCAGAATGGGGTCTGGATTATGTTGTCCTGACATCTGTGGATCGAGATGGTTAGTGTG-3'
Protein context (NP_006850.2, residues 157-177): ASEPYNTAKA[Ile167Val]AEWGLDYVVL